The following is an entry in ClinVar:

NM_006341.4(MAD2L2):c.332+3G>C

Gene: MAD2L2 (mitotic arrest deficient 2 like 2; minus strand). Cytogenetic location: 1p36.22.
Variant type: single nucleotide variant.
Coding change: c.332+3G>C on transcript NM_006341.4 (MANE Select); 3 bases into the intron after coding-DNA position 332, G replaced by C.
Molecular consequence: intron variant.
Genome position (GRCh38, 1-based): chr1:11,676,845, C>G on the plus strand (G>C on the coding strand, the complement: MAD2L2 is on the minus strand). VCF-style: chr1-11676845-C-G. GRCh37 (hg19) VCF-style: chr1-11736902-C-G.
Other names: c.332+3G>C (NM_001127325.2).
Identifiers: ClinVar variation 3663386 (VCV003663386.2).

ClinVar aggregate classification (germline): Uncertain significance (1 of 4 stars; one submission).

Submission:

Labcorp Genetics (formerly Invitae), Labcorp
Classification: Uncertain significance. Last evaluated: 2024-08-24. Review status: criteria provided, single submitter. Criteria: Invitae Variant Classification Sherloc (09022015). Collection method: clinical testing. Allele origin: germline.
Comment: This sequence change falls in intron 5 of the MAD2L2 gene. It does not directly change the encoded amino acid sequence of the MAD2L2 protein. It affects a nucleotide within the consensus splice site. This variant is not present in population databases (gnomAD no frequency). This variant has not been reported in the literature in individuals affected with MAD2L2-related conditions. Variants that disrupt the consensus splice site are a relatively common cause of aberrant splicing (PMID: 17576681, 9536098). Algorithms developed to predict the effect of sequence changes on RNA splicing suggest that this variant may disrupt the consensus splice site. In summary, the available evidence is currently insufficient to determine the role of this variant in disease. Therefore, it has been classified as a Variant of Uncertain Significance.

Literature cited by the submitters: PubMed 17576681; PubMed 9536098.